The following is an entry in ClinVar:

ClinVar aggregate classification (germline): Uncertain significance (1 of 4 stars; one submission).

Allele frequency attached by ClinVar (database versions not stated): TOPMed below 0.00001; gnomAD 0.00001.
gnomAD v4.1: 5 of 1,611,968 alleles (0.00031%); highest among the groups gnomAD compares: Admixed American, 0.0033%; no homozygotes.

Submission:

Labcorp Genetics (formerly Invitae), Labcorp
Classification: Uncertain significance. Last evaluated: 2024-01-12. Review status: criteria provided, single submitter. Criteria: Invitae Variant Classification Sherloc (09022015). Collection method: clinical testing. Allele origin: germline.
Comment: This sequence change creates a premature translational stop signal (p.Gln1020*) in the GUCY2C gene. While this is not anticipated to result in nonsense mediated decay, it is expected to disrupt the last 54 amino acid(s) of the GUCY2C protein. This variant is present in population databases (no rsID available, gnomAD 0.1%). This variant has not been reported in the literature in individuals affected with GUCY2C-related conditions. Algorithms developed to predict the effect of sequence changes on RNA splicing suggest that this variant may disrupt the consensus splice site. In summary, the available evidence is currently insufficient to determine the role of this variant in disease. Therefore, it has been classified as a Variant of Uncertain Significance.

NM_004963.4(GUCY2C):c.3058C>T (p.Gln1020Ter)

Genes: GUCY2C (guanylate cyclase 2C; minus strand), PLBD1-AS1 (PLBD1 antisense RNA 1; plus strand). Cytogenetic location: 12p12.3.
Variant type: single nucleotide variant.
Coding change: c.3058C>T on transcript NM_004963.4 (MANE Select); coding-DNA position 3058, C replaced by T.
Protein change: p.Gln1020Ter; replaces glutamine 1020 with a stop codon.
Molecular consequence: nonsense.
Genome position (GRCh38, 1-based): chr12:14,613,281, G>A on the plus strand (C>T on the coding strand, the complement: GUCY2C is on the minus strand). VCF-style: chr12-14613281-G-A. GRCh37 (hg19) VCF-style: chr12-14766215-G-A.
Other names: short protein forms Q1020*.
Identifiers: ClinVar variation 2956253 (VCV002956253.3), dbSNP rs1301228916, ClinGen allele CA383989652.